The following is an entry in ClinVar:

ClinVar aggregate classification (germline): Uncertain significance. Review status: criteria provided, multiple submitters, no conflicts (2 of 4 stars). 3 submissions from 2 submitters: Uncertain significance (3). Last evaluated 2018-01-12.

Conditions:
Autosomal dominant nonsyndromic hearing loss 6 (LFSNHL). Also called: DEAFNESS, AUTOSOMAL DOMINANT 6; DEAFNESS, AUTOSOMAL DOMINANT 14; DEAFNESS, AUTOSOMAL DOMINANT 38; Autosomal dominant nonsyndromic deafness 6; DIDMOAD (Diabetes Insipidus, Diabetes Mellitus, Optic Atrophy, and Deafness). Identifiers: Orphanet 90635, MedGen C1833021, MONDO:0010963, OMIM 600965.
WFS1-Related Spectrum Disorders.
Wolfram syndrome 1 (WFS1). Identifiers: Orphanet 3463, MedGen C4551693, MONDO:0009101, OMIM 222300.

Submissions (3):

Illumina Laboratory Services, Illumina
Classification: Uncertain significance for WFS1-Related Spectrum Disorders. Last evaluated: 2018-01-12. Review status: criteria provided, single submitter. Criteria: ICSL Variant Classification Criteria 13 December 2019. Collection method: clinical testing. Allele origin: germline.

Illumina Laboratory Services, Illumina
Classification: Uncertain significance for Autosomal dominant nonsyndromic hearing loss 6. Last evaluated: 2018-01-12. Review status: criteria provided, single submitter. Criteria: ICSL Variant Classification Criteria 13 December 2019. Collection method: clinical testing. Allele origin: germline.

Clinical Genomics, Uppaluri K&H Personalized Medicine Clinic
Classification: Uncertain significance for Wolfram syndrome 1. Review status: criteria provided, single submitter. Criteria: K & H Uppaluri Personalized Medicine Clinic Variant Classification & Assertion Criteria_Updated V.1. Collection method: research. Allele origin: unknown. Inheritance: Autosomal recessive inheritance.
Comment: Potent mutations in WFS1 gene are associated with Wolfram's syndrome, an autosomal recessive condition, which cause diabetes mellitus, diabetes insipidus, deafness and optic atrophy. However no sufficient evidence is found to ascertain the role of this particular variant rs1730943627 in Wolfram's syndrome yet.

Literature cited by the submitters: PubMed 20738327 (cited by Clinical Genomics, Uppaluri K&H Personalized Medicine Clinic); PubMed 33879153 (cited by Clinical Genomics, Uppaluri K&H Personalized Medicine Clinic); PubMed 12955714 (cited by Clinical Genomics, Uppaluri K&H Personalized Medicine Clinic); PubMed 18060660 (cited by Clinical Genomics, Uppaluri K&H Personalized Medicine Clinic); PubMed 20301750 (cited by Clinical Genomics, Uppaluri K&H Personalized Medicine Clinic); PubMed 17603484 (cited by Clinical Genomics, Uppaluri K&H Personalized Medicine Clinic).

NM_006005.3(WFS1):c.2135T>C (p.Ile712Thr)

Gene: WFS1 (wolframin ER transmembrane glycoprotein; plus strand). Cytogenetic location: 4p16.1.
Variant type: single nucleotide variant.
Coding change: c.2135T>C on transcript NM_006005.3 (MANE Select); coding-DNA position 2135, T replaced by C.
Protein change: p.Ile712Thr; replaces isoleucine 712 with threonine.
Molecular consequence: missense variant.
Genome position (GRCh38, 1-based): chr4:6,301,930, T>C. VCF-style: chr4-6301930-T-C. GRCh37 (hg19) VCF-style: chr4-6303657-T-C.
Other names: c.2135T>C, p.Ile712Thr (NM_001145853.1); short protein forms I712T.
Identifiers: ClinVar variation 904333 (VCV000904333.5), dbSNP rs1730943627, ClinGen allele CA356177834.